The following is an entry in ClinVar:

NM_001323289.2(CDKL5):c.515T>G (p.Val172Gly)

Gene: CDKL5 (cyclin dependent kinase like 5; plus strand). Cytogenetic location: Xp22.13.
Variant type: single nucleotide variant.
Coding change: c.515T>G on transcript NM_001323289.2 (MANE Select); coding-DNA position 515, T replaced by G.
Protein change: p.Val172Gly; replaces valine 172 with glycine.
Molecular consequence: missense variant.
Genome position (GRCh38, 1-based): chrX:18,584,314, T>G. VCF-style: chrX-18584314-T-G. GRCh37 (hg19) VCF-style: chrX-18602434-T-G.
Other names: c.515T>G, p.Val172Gly (NM_001037343.2, NM_003159.3); short protein forms V172G.
Identifiers: ClinVar variation 2950640 (VCV002950640.3), dbSNP rs2518853529, ClinGen allele CA412352420.

ClinVar aggregate classification (germline): Pathogenic (1 of 4 stars; one submission).

Conditions:
Developmental and epileptic encephalopathy, 2 (DEE2). Also called: INFANTILE SPASM SYNDROME, X-LINKED 2; CDKL5 deficiency disorder. Identifiers: Orphanet 1934, Orphanet 3451, Orphanet 505652, MedGen C4750718, MONDO:0010396, OMIM 300672.
Angelman syndrome-like. Identifiers: MedGen CN128785.

Submission:

Labcorp Genetics (formerly Invitae), Labcorp
Classification: Pathogenic for Developmental and epileptic encephalopathy, 2; Angelman syndrome-like. Last evaluated: 2023-10-05. Review status: criteria provided, single submitter. Criteria: Invitae Variant Classification Sherloc (09022015). Collection method: clinical testing. Allele origin: germline.
Comment: This sequence change replaces valine, which is neutral and non-polar, with glycine, which is neutral and non-polar, at codon 172 of the CDKL5 protein (p.Val172Gly). This variant is not present in population databases (gnomAD no frequency). This missense change has been observed in individual(s) with clinical features of early infantile epileptic encephalopathy (Invitae). In at least one individual the variant was observed to be de novo. Advanced modeling of protein sequence and biophysical properties (such as structural, functional, and spatial information, amino acid conservation, physicochemical variation, residue mobility, and thermodynamic stability) performed at Invitae indicates that this missense variant is expected to disrupt CDKL5 protein function. For these reasons, this variant has been classified as Pathogenic.